The following is an entry in ClinVar:

NM_004995.4(MMP14):c.1295G>A (p.Gly432Glu)

Gene: MMP14 (matrix metallopeptidase 14; plus strand). Cytogenetic location: 14q11.2.
Variant type: single nucleotide variant.
Coding change: c.1295G>A on transcript NM_004995.4 (MANE Select); coding-DNA position 1295, G replaced by A.
Protein change: p.Gly432Glu; replaces glycine 432 with glutamic acid.
Molecular consequence: missense variant.
Genome position (GRCh38, 1-based): chr14:22,844,774, G>A. VCF-style: chr14-22844774-G-A. GRCh37 (hg19) VCF-style: chr14-23313983-G-A.
Other names: short protein forms G432E.
Identifiers: ClinVar variation 2881589 (VCV002881589.3), dbSNP rs2502070003, ClinGen allele CA388933702.

ClinVar aggregate classification (germline): Uncertain significance (1 of 4 stars; one submission).

Submission:

Labcorp Genetics (formerly Invitae), Labcorp
Classification: Uncertain significance. Last evaluated: 2022-10-23. Review status: criteria provided, single submitter. Criteria: Invitae Variant Classification Sherloc (09022015). Collection method: clinical testing. Allele origin: germline.
Comment: This variant is not present in population databases (gnomAD no frequency). This sequence change replaces glycine, which is neutral and non-polar, with glutamic acid, which is acidic and polar, at codon 432 of the MMP14 protein (p.Gly432Glu). This variant has not been reported in the literature in individuals affected with MMP14-related conditions. Advanced modeling of protein sequence and biophysical properties (such as structural, functional, and spatial information, amino acid conservation, physicochemical variation, residue mobility, and thermodynamic stability) performed at Invitae indicates that this missense variant is not expected to disrupt MMP14 protein function. In summary, the available evidence is currently insufficient to determine the role of this variant in disease. Therefore, it has been classified as a Variant of Uncertain Significance.